The following is an entry in ClinVar:

NM_004082.5(DCTN1):c.840A>G (p.Arg280=)

Gene: DCTN1 (dynactin subunit 1; minus strand). Cytogenetic location: 2p13.1.
Variant type: single nucleotide variant.
Coding change: c.840A>G on transcript NM_004082.5 (MANE Select); coding-DNA position 840, A replaced by G.
Protein change: p.Arg280=; no amino-acid change (arginine 280 retained).
Molecular consequence: synonymous variant. On other transcripts: non-coding transcript variant (1).
Genome position (GRCh38, 1-based): chr2:74,370,982, T>C on the plus strand (A>G on the coding strand, the complement: DCTN1 is on the minus strand). VCF-style: chr2-74370982-T-C. GRCh37 (hg19) VCF-style: chr2-74598109-T-C.
Other names: c.780A>G, p.Arg260= (NM_001135040.3); c.438A>G, p.Arg146= (NM_001135041.3, NM_023019.4); c.729A>G, p.Arg243= (NM_001190836.2); c.819A>G, p.Arg273= (NM_001190837.2); c.789A>G, p.Arg263= (NM_001378991.1); c.771A>G, p.Arg257= (NM_001378992.1).
Identifiers: ClinVar variation 2942612 (VCV002942612.3), dbSNP rs781126835, ClinGen allele CA1722317.

ClinVar aggregate classification (germline): Uncertain significance (1 of 4 stars; one submission).

Conditions:
Amyotrophic lateral sclerosis type 1 (ALS1). Also called: AMYOTROPHIC LATERAL SCLEROSIS 1, FAMILIAL. Identifiers: Orphanet 803, MedGen C1862939, MONDO:0007103, OMIM 105400.
Neuronopathy, distal hereditary motor, type 7B. Also called: HMN VIIB; LOWER MOTOR NEURON DISEASE, DYNACTIN TYPE; NEURONOPATHY, DISTAL HEREDITARY MOTOR, AUTOSOMAL DOMINANT 14; NEURONOPATHY, DISTAL HEREDITARY MOTOR, HARDING TYPE VIIB; NEUROPATHY, DISTAL HEREDITARY MOTOR, HARDING TYPE VIIB; NEUROPATHY, DISTAL HEREDITARY MOTOR, WITH VOCAL CORD PARALYSIS, HARDING TYPE VIIB. Identifiers: Orphanet 139589, MedGen C1843315, MONDO:0011879, OMIM 607641.
Perry syndrome. Also called: PARKINSONISM WITH ALVEOLAR HYPOVENTILATION AND MENTAL DEPRESSION. Identifiers: Orphanet 178509, MedGen C1868594, MONDO:0008201, OMIM 168605.

Allele frequency attached by ClinVar (database versions not stated): gnomAD exomes below 0.00001; ExAC 0.00001.
gnomAD v4.1: 2 of 1,613,930 alleles (0.00012%); highest among the groups gnomAD compares: South Asian, 0.0011%; no homozygotes.

Submission:

Labcorp Genetics (formerly Invitae), Labcorp
Classification: Uncertain significance for Amyotrophic lateral sclerosis type 1; Neuronopathy, distal hereditary motor, type 7B; Perry syndrome. Last evaluated: 2022-12-23. Review status: criteria provided, single submitter. Criteria: Invitae Variant Classification Sherloc (09022015). Collection method: clinical testing. Allele origin: germline.
Comment: Algorithms developed to predict the effect of sequence changes on RNA splicing suggest that this variant may create or strengthen a splice site. In summary, the available evidence is currently insufficient to determine the role of this variant in disease. Therefore, it has been classified as a Variant of Uncertain Significance. This variant has not been reported in the literature in individuals affected with DCTN1-related conditions. This variant is present in population databases (rs781126835, gnomAD 0.003%). This sequence change affects codon 280 of the DCTN1 mRNA. It is a 'silent' change, meaning that it does not change the encoded amino acid sequence of the DCTN1 protein.